The following is an entry in ClinVar:

NM_178857.6(RP1L1):c.360G>T (p.Gln120His)

Gene: RP1L1 (RP1 like 1). Cytogenetic location: 8p23.1.
Variant type: single nucleotide variant.
Coding change: c.360G>T on transcript NM_178857.6 (MANE Select); coding-DNA position 360, G replaced by T.
Protein change: p.Gln120His; replaces glutamine 120 with histidine.
Molecular consequence: missense variant.
Genome position (GRCh38, 1-based): chr8:10,622,842, C>A on the plus strand (G>T on the coding strand, the complement: RP1L1 is on the minus strand). VCF-style: chr8-10622842-C-A. GRCh37 (hg19) VCF-style: chr8-10480352-C-A.
Other names: short protein forms Q120H.
Identifiers: ClinVar variation 2009811 (VCV002009811.4), dbSNP rs2486318624, ClinGen allele CA370300412.

ClinVar aggregate classification (germline): Uncertain significance (1 of 4 stars; one submission).

Submission:

Labcorp Genetics (formerly Invitae), Labcorp
Classification: Uncertain significance. Last evaluated: 2022-06-23. Review status: criteria provided, single submitter. Criteria: Invitae Variant Classification Sherloc (09022015). Collection method: clinical testing. Allele origin: germline.
Comment: In summary, the available evidence is currently insufficient to determine the role of this variant in disease. Therefore, it has been classified as a Variant of Uncertain Significance. Advanced modeling of protein sequence and biophysical properties (such as structural, functional, and spatial information, amino acid conservation, physicochemical variation, residue mobility, and thermodynamic stability) performed at Invitae indicates that this missense variant is not expected to disrupt RP1L1 protein function. This variant has not been reported in the literature in individuals affected with RP1L1-related conditions. This variant is not present in population databases (gnomAD no frequency). This sequence change replaces glutamine, which is neutral and polar, with histidine, which is basic and polar, at codon 120 of the RP1L1 protein (p.Gln120His).